The following is an entry in ClinVar:

NM_003002.4(SDHD):c.335C>T (p.Thr112Ile)

Gene: SDHD (succinate dehydrogenase complex subunit D; plus strand). Cytogenetic location: 11q23.1.
Variant type: single nucleotide variant.
Coding change: c.335C>T on transcript NM_003002.4 (MANE Select); coding-DNA position 335, C replaced by T.
Protein change: p.Thr112Ile; replaces threonine 112 with isoleucine.
Molecular consequence: missense variant. On other transcripts: synonymous variant (1), 3 prime UTR variant (1), non-coding transcript variant (1).
Genome position (GRCh38, 1-based): chr11:112,094,825, C>T. VCF-style: chr11-112094825-C-T. GRCh37 (hg19) VCF-style: chr11-111965549-C-T.
Other names: c.190C>T, p.Leu64= (NM_001276503.2); c.218C>T, p.Thr73Ile (NM_001276504.2); c.*33C>T (NM_001276506.2); short protein forms T112I, T73I.
Identifiers: ClinVar variation 239468 (VCV000239468.38), dbSNP rs199869408, ClinGen allele CA071254.

ClinVar aggregate classification (germline): Uncertain significance. Review status: criteria provided, multiple submitters, no conflicts (2 of 4 stars). 11 submissions from 11 submitters: Uncertain significance (11). Last evaluated 2026-06-08.

Conditions:
SDHD-related disorder. Also called: SDHD-related condition.
Carney-Stratakis syndrome. Also called: PARAGANGLIOMA AND GASTROINTESTINAL STROMAL TUMOR. Identifiers: Orphanet 97286, MedGen C1847319, MONDO:0011740, OMIM 606864.
Pheochromocytoma. Also called: MAX-Related Hereditary Paraganglioma-Pheochromocytoma Syndrome. Identifiers: Orphanet 29072, MedGen C0031511, MONDO:0008233, OMIM 171300, HP:0002666.
Cowden syndrome 3 (CWS3). Identifiers: Orphanet 201, MedGen CN166604, MONDO:0014045.
Paragangliomas with sensorineural hearing loss. Identifiers: MedGen C1868633.
Mitochondrial complex 2 deficiency, nuclear type 3. Also called: MITOCHONDRIAL COMPLEX II DEFICIENCY, NUCLEAR TYPE 3. Identifiers: MedGen C5436934, MONDO:0030937, OMIM 619167.
Pheochromocytoma/paraganglioma syndrome 1. Also called: SDHD-Related Hereditary Paraganglioma-Pheochromocytoma Syndrome; PARAGANGLIOMATA; Paragangliomas 1; Glomus tumors familial 1; Paraganglioma - glomus jugulare; PARAGANGLIOMAS, FAMILIAL NONCHROMAFFIN, 1. Identifiers: Orphanet 29072, MedGen C3494181, MONDO:0008192, OMIM 168000.
Mitochondrial complex II deficiency, nuclear type 1. Also called: SUCCINATE CoQ REDUCTASE DEFICIENCY. Identifiers: Orphanet 3208, MedGen C5700310, MONDO:0100294, OMIM 252011.
Hereditary cancer-predisposing syndrome. Also called: Neoplastic Syndromes, Hereditary; Hereditary neoplastic syndrome; Hereditary Cancer Syndrome; Tumor predisposition. Identifiers: Orphanet 140162, MedGen C0027672, MeSH D009386, MONDO:0015356.
Hereditary pheochromocytoma and paraganglioma. Also called: Hereditary Paraganglioma-Pheochromocytoma Syndromes; Hereditary pheochromocytoma-paraganglioma; Hereditary paragangliomas and pheochromocytomas. Identifiers: Orphanet 29072, MedGen C4274332, MONDO:0017366.

Allele frequency attached by ClinVar (database versions not stated): ExAC 0.00001; gnomAD 0.00001; gnomAD exomes 0.00001 and below 0.00001; TOPMed 0.00001.
gnomAD v4.1: 21 of 1,611,430 alleles (0.0013%); highest among the groups gnomAD compares: Middle Eastern, 0.022%; no homozygotes.

Submissions (11):

PreventionGenetics, part of Exact Sciences
Classification: Uncertain significance for SDHD-related condition. Last evaluated: 2026-06-08. Review status: criteria provided, single submitter. Criteria: ACMG Guidelines, 2015. Collection method: clinical testing. Allele origin: germline.
Comment: The SDHD c.335C>T variant is predicted to result in the amino acid substitution p.Thr112Ile. This variant was reported in an individual with head and neck paraganglioma (Albattal et al. 2019. PubMed ID: 31666924), an individual with pheochromocytoma (Mannelli et al. 2006. PubMed ID: 17102085), two individuals with papillary thyroid cancer (Siraj et al. 2017. PubMed ID: 28975465), and one individual with breast cancer (Chan et al. 2018. PubMed ID: 30093976). In one study, the p.Thr112Ile variant segregated independently from the founder variant p.Q109X, but was not shown to have phenotypic manifestation in any of the seven family members that carried the p.Thr112Ile variant (Family B, Simi et al. 2005. PubMed ID: 16061558). Functional analysis in yeast demonstrated that the p.Thr112Ile variant reduces SDHD enzyme activity by 50%, but it does not affect oxidative growth (Panizza et al. 2013. PubMed ID: 23175444). This variant is reported in 0.0054% of alleles in individuals of East Asian descent in gnomAD and is classified as having uncertain clinical significance in ClinVar (Variation ID: 239468). At this time, the clinical significance of this variant is uncertain due to the absence of conclusive functional and genetic evidence.

Center for Genomic Medicine, Rigshospitalet, Copenhagen University Hospital
Classification: Uncertain significance. Last evaluated: 2025-12-29. Review status: criteria provided, single submitter. Criteria: ACMG Guidelines, 2015. Collection method: clinical testing. Allele origin: germline.
Comment: Classification criteria: PP3, PM2_supporting

Labcorp Genetics (formerly Invitae), Labcorp
Classification: Uncertain significance for Carney-Stratakis syndrome; Paragangliomas with sensorineural hearing loss; Pheochromocytoma; Cowden syndrome 3. Last evaluated: 2025-11-17. Review status: criteria provided, single submitter. Criteria: Invitae Variant Classification Sherloc (09022015). Collection method: clinical testing. Allele origin: germline.
Comment: This sequence change replaces threonine, which is neutral and polar, with isoleucine, which is neutral and non-polar, at codon 112 of the SDHD protein (p.Thr112Ile). This variant is present in population databases (rs199869408, gnomAD 0.006%). This missense change has been observed in individual(s) with paraganglioma, thyroid cancer, breast cancer, and pheochromocytoma (PMID: 17102085, 28975465, 30093976, 31666924). ClinVar contains an entry for this variant (Variation ID: 239468). Invitae Evidence Modeling of protein sequence and biophysical properties (such as structural, functional, and spatial information, amino acid conservation, physicochemical variation, residue mobility, and thermodynamic stability) indicates that this missense variant is not expected to disrupt SDHD protein function with a negative predictive value of 80%. Experimental studies have shown that this missense change affects SDHD function (PMID: 23175444). In summary, the available evidence is currently insufficient to determine the role of this variant in disease. Therefore, it has been classified as a Variant of Uncertain Significance.

Ambry Genetics
Classification: Uncertain significance for Hereditary cancer-predisposing syndrome. Last evaluated: 2025-04-11. Review status: criteria provided, single submitter. Criteria: Ambry Variant Classification Scheme 2023. Collection method: clinical testing. Allele origin: germline.
Comment: The p.T112I variant (also known as c.335C>T), located in coding exon 4 of the SDHD gene, results from a C to T substitution at nucleotide position 335. The threonine at codon 112 is replaced by isoleucine, an amino acid with similar properties. This alteration has been reported in an individual with pheochromocytoma as well as an individual with a head and neck paraganglioma (Mannelli M et al. Ann. N. Y. Acad. Sci. 2006 Aug;1073:183-9; Albattal S et al. Oncotarget. 2019 Oct;10:5919-5931). This alteration was also reported in a large PGL/PCC family in conjunction with an SDHD nonsense mutation (Q109*). The one individual affected with a neural crest tumor in this family harbored the Q109* alteration and not p.T112I; several unaffected individuals also carried the p.T112I alteration (Simi L et al. J. Med. Genet. 2005 Aug;42:e52). One yeast functional study showed that p.T112I reduces SDH enzyme activity by 50% and increases mtDNA mutability, but it does not affect oxidative growth (Panizza E et al. Hum. Mol. Genet. 2013 Feb;22:804-15). This amino acid position is highly conserved in available vertebrate species. In addition, this alteration is predicted to be deleterious by in silico analysis. Based on the available evidence, the clinical significance of this alteration remains unclear.

All of Us Research Program, National Institutes of Health
Classification: Uncertain significance for Hereditary pheochromocytoma and paraganglioma. Last evaluated: 2024-09-23. Review status: criteria provided, single submitter. Criteria: ACMG Guidelines, 2015. Collection method: clinical testing. Allele origin: germline. Inheritance: Autosomal dominant inheritance. Observed: 8 variant alleles, 7 heterozygotes, 1 homozygote.
Comment: This missense variant replaces threonine with isoleucine at codon 112 of the SDHD protein. Computational prediction suggests that this variant may have deleterious impact on protein structure and function (internally defined REVEL score threshold >= 0.7, PMID: 27666373). An experimental functional study in yeast reported that this variant partially reduced SDH enzyme activity, increased mitochondrial DNA mutability, but did not affect oxidative growth (PMID: 23175444). This variant has been reported in individuals affected with paraganglioma or pheochromocytoma (PMID: 17102085, 31666924). This variant has been identified in 1/250814 chromosomes in the general population by the Genome Aggregation Database (gnomAD). The available evidence is insufficient to determine the role of this variant in disease conclusively. Therefore, this variant is classified as a Variant of Uncertain Significance.

This study involves interpretation of variants in research participants for the purpose of population health screening. Participant phenotype was not available at the time of variant classification. Additional details can be found in publication PMID: 35346344, PMCID: PMC8962531

GeneDx
Classification: Uncertain significance. Last evaluated: 2024-05-06. Review status: criteria provided, single submitter. Criteria: GeneDx Variant Classification Process June 2021. Collection method: clinical testing. Allele origin: germline. Affected: yes.
Comment: Published functional studies demonstrate mixed results regarding this variant's effect on the function of the SDHD protein (PMID: 23175444); In silico analysis supports that this missense variant has a deleterious effect on protein structure/function; Not observed at significant frequency in large population cohorts (gnomAD); This variant is associated with the following publications: (PMID: 17308434, 30093976, 17102085, 28975465, 31666924, 16061558, 32035780, 32504289, 37656691, 23175444)

Baylor Genetics
Classification: Uncertain significance for Mitochondrial complex 2 deficiency, nuclear type 3. Last evaluated: 2024-02-16. Review status: criteria provided, single submitter. Criteria: ACMG Guidelines, 2015. Collection method: clinical testing. Allele origin: unknown.

Genomic Research Center, Shahid Beheshti University of Medical Sciences
Classification: Uncertain significance. Last evaluated: 2019-01-01. Review status: criteria provided, single submitter. Criteria: ACMG Guidelines, 2015. Collection method: clinical testing. Allele origin: unknown. Affected: yes. Observed: 1 variant allele.

Fulgent Genetics
Classification: Uncertain significance for Pheochromocytoma/paraganglioma syndrome 1; Pheochromocytoma; Mitochondrial complex II deficiency, nuclear type 1; Carney-Stratakis syndrome. Last evaluated: 2018-10-31. Review status: criteria provided, single submitter. Criteria: ACMG Guidelines, 2015. Collection method: clinical testing. Allele origin: unknown.

Quest Diagnostics Nichols Institute San Juan Capistrano
Classification: Uncertain significance. Last evaluated: 2018-03-06. Review status: criteria provided, single submitter. Criteria: Quest Diagnostics criteria. Collection method: clinical testing. Allele origin: unknown.

Laboratory for Molecular Medicine, Mass General Brigham Personalized Medicine
Classification: Uncertain significance. Last evaluated: 2016-06-16. Review status: criteria provided, single submitter. Criteria: LMM Criteria. Collection method: clinical testing. Allele origin: germline.
Comment: Variant identified in a genome or exome case(s) and assessed due to predicted null impact of the variant or pathogenic assertions in the literature or databases. Disclaimer: This variant has not undergone full assessment. The following are preliminary notes: Reported in 1 family that also carried Q109X, and T112I did not segregate with disease.

Literature cited by the submitters: PubMed 23175444 (cited by 4 submitters); PubMed 31666924 (cited by 4 submitters); PubMed 30093976 (cited by 3 submitters); PubMed 16061558 (cited by Center for Genomic Medicine, Rigshospitalet, Copenhagen University Hospital and Ambry Genetics); PubMed 17102085 (cited by 3 submitters); PubMed 28975465 (cited by Labcorp Genetics (formerly Invitae), Labcorp and Ambry Genetics).